The following is an entry in ClinVar:

ClinVar aggregate classification (germline): Likely benign. Review status: criteria provided, multiple submitters, no conflicts (2 of 4 stars). 2 submissions from 2 submitters: Likely benign (2). Last evaluated 2021-07-30.

Conditions:
Autosomal recessive nonsyndromic hearing loss 15. Also called: DEAFNESS, AUTOSOMAL RECESSIVE 15; DEAFNESS, AUTOSOMAL RECESSIVE 72; DEAFNESS, AUTOSOMAL RECESSIVE 95. Identifiers: Orphanet 90636, MedGen C1866094, MONDO:0011160, OMIM 601869.

Allele frequency attached by ClinVar (database versions not stated): TOPMed 0.00005; gnomAD exomes 0.00006 and 0.00004; ExAC 0.00010; ESP Exome Variant Server 0.00015; gnomAD 0.00003.
gnomAD v4.1: 95 of 1,606,118 alleles (0.0059%); highest among the groups gnomAD compares: Middle Eastern, 0.018%; no homozygotes.

Submissions (2):

Fulgent Genetics
Classification: Likely benign for Autosomal recessive nonsyndromic hearing loss 15. Last evaluated: 2021-07-30. Review status: criteria provided, single submitter. Criteria: ACMG Guidelines, 2015. Collection method: clinical testing. Allele origin: unknown.

Laboratory for Molecular Medicine, Mass General Brigham Personalized Medicine
Classification: Likely benign. Last evaluated: 2016-06-23. Review status: criteria provided, single submitter. Criteria: LMM Criteria. Collection method: clinical testing. Allele origin: germline. Observed: 1 variant allele.
Comment: p.Gly305Gly in Exon 06 of GIPC3: This variant is not expected to have clinical s ignificance because it does not alter an amino acid residue and is not located w ithin the splice consensus sequence. It has been identified in 7/39346 European chromosomes by the Exome Aggregation Consortium (ExAC; dbSNP rs142749099).

NM_133261.3(GIPC3):c.915C>T (p.Gly305=)

Gene: GIPC3 (GIPC PDZ domain containing family member 3; plus strand). Cytogenetic location: 19p13.3.
Variant type: single nucleotide variant.
Coding change: c.915C>T on transcript NM_133261.3 (MANE Select); coding-DNA position 915, C replaced by T.
Protein change: p.Gly305=; no amino-acid change (glycine 305 retained).
Molecular consequence: synonymous variant.
Genome position (GRCh38, 1-based): chr19:3,590,166, C>T. VCF-style: chr19-3590166-C-T. GRCh37 (hg19) VCF-style: chr19-3590164-C-T.
Identifiers: ClinVar variation 504574 (VCV000504574.5), dbSNP rs142749099, ClinGen allele CA9080634.